The following is an entry in ClinVar:

ClinVar aggregate classification (germline): Benign. Review status: criteria provided, multiple submitters, no conflicts (2 of 4 stars). 2 submissions from 2 submitters: Benign (2). Last evaluated 2018-01-13.

Conditions:
Ellis-van Creveld syndrome (EVC). Also called: EVC-Related Ellis-van Creveld Syndrome; EVC2-Related Ellis-van Creveld Syndrome; MESOECTODERMAL DYSPLASIA; Chondroectodermal dysplasia. Identifiers: Orphanet 289, MedGen C0013903, MONDO:0009162, OMIM 225500.

Allele frequency attached by ClinVar (database versions not stated): 1000 Genomes Project 30x 0.43161; 1000 Genomes Project 0.43690; gnomAD 0.56030 and 0.56438; gnomAD exomes 0.64981.
gnomAD v4.1: 74,329 of 131,138 alleles (57%); highest among the groups gnomAD compares: South Asian, 66%; 19,189 homozygotes.

Submissions (2):

Illumina Laboratory Services, Illumina
Classification: Benign for Ellis-van Creveld syndrome. Last evaluated: 2018-01-13. Review status: criteria provided, single submitter. Criteria: ICSL Variant Classification Criteria 13 December 2019. Collection method: clinical testing. Allele origin: germline.
Comment: This variant was observed in the ICSL laboratory as part of a predisposition screen in an ostensibly healthy population. It had not been previously curated by ICSL or reported in the Human Gene Mutation Database (HGMD: prior to June 1st, 2018), and was therefore a candidate for classification through an automated scoring system. Utilizing variant allele frequency, disease prevalence and penetrance estimates, and inheritance mode, an automated score was calculated to assess if this variant is too frequent to cause the disease. Based on the score and internal cut-off values, a variant classified as benign is not then subjected to further curation. The score for this variant resulted in a classification of benign for this disease.

Breakthrough Genomics
Classification: Benign. Review status: criteria provided, single submitter. Criteria: ACMG Guidelines, 2015. Collection method: not provided. Allele origin: germline. Inheritance: Autosomal recessive inheritance. Affected: yes.

NM_153717.3(EVC):c.*931T>C

Gene: EVC (EvC ciliary complex subunit 1; plus strand). Cytogenetic location: 4p16.2.
Variant type: single nucleotide variant.
Coding change: c.*931T>C on transcript NM_153717.3 (MANE Select); 931 bases downstream of the stop codon, T replaced by C.
Molecular consequence: 3 prime UTR variant.
Genome position (GRCh38, 1-based): chr4:5,811,968, T>C. VCF-style: chr4-5811968-T-C. GRCh37 (hg19) VCF-style: chr4-5813695-T-C.
Other names: c.*931T>C (NM_001306090.2).
Identifiers: ClinVar variation 349236 (VCV000349236.6), dbSNP rs6840435, ClinGen allele CA10618054.